The following is an entry in ClinVar:

NM_000512.5(GALNS):c.1207TGGACC[1] (p.403WT[1])

Gene: GALNS (galactosamine (N-acetyl)-6-sulfatase; minus strand). Cytogenetic location: 16q24.3.
Variant type: Microsatellite.
Coding change: c.1207TGGACC[1] on transcript NM_000512.5 (MANE Select); one copy of the 6-base unit TGGACC starting at c.1207; the reference has two copies in a row; one copy, 6 bases deleted; also written c.1213_1218del.
Protein change: p.403WT[1].
Molecular consequence: inframe deletion.
Genome position (GRCh38, 1-based): chr16:88,824,791-88,824,796, GGTCCA deleted on the plus strand (TGGACC on the coding strand, the reverse complement: GALNS is on the minus strand); deleting any 6 consecutive bases within chr16:88,824,791-88,824,803 gives the same sequence; the position shown is the placement nearest the transcript's 3' end. VCF-style (leftmost placement, unchanged base first): chr16-88824790-TGGTCCA-T. GRCh37 (hg19) VCF-style: chr16-88891198-TGGTCCA-T.
Other names: c.652TGGACC[1], p.218WT[1] (NM_001323543.2); c.1225TGGACC[1], p.409WT[1] (NM_001323544.2); c.1213_1218del (NM_000512.5).
Identifiers: ClinVar variation 566964 (VCV000566964.11), dbSNP rs1567519128, ClinGen allele CA891843575.

ClinVar aggregate classification (germline): Uncertain significance. Review status: criteria provided, multiple submitters, no conflicts (2 of 4 stars). 2 submissions from 2 submitters: Uncertain significance (2). Last evaluated 2021-08-26.

Conditions:
Mucopolysaccharidosis, MPS-IV-A (MPS4A). Also called: Mucopolysaccharidosis Type IVA; GALACTOSAMINE-6-SULFATASE DEFICIENCY; GALNS DEFICIENCY; MORQUIO A DISEASE; MPS IVA; Morquio syndrome A, mild. Identifiers: Orphanet 309297, Orphanet 582, MedGen C0086651, MONDO:0009659, OMIM 253000.

Submissions (2):

Labcorp Genetics (formerly Invitae), Labcorp
Classification: Uncertain significance for Mucopolysaccharidosis, MPS-IV-A. Last evaluated: 2021-08-26. Review status: criteria provided, single submitter. Criteria: Invitae Variant Classification Sherloc (09022015). Collection method: clinical testing. Allele origin: germline.
Comment: This variant, c.1213_1218del, results in the deletion of 2 amino acid(s) of the GALNS protein (p.Trp405_Thr406del), but otherwise preserves the integrity of the reading frame. This variant is not present in population databases (ExAC no frequency). This variant has been observed in individual(s) with a mucopolysaccharidosis IVA (PMID: 8844220). Experimental studies and prediction algorithms are not available or were not evaluated, and the functional significance of this variant is currently unknown. In summary, the available evidence is currently insufficient to determine the role of this variant in disease. Therefore, it has been classified as a Variant of Uncertain Significance.

Laboratory of Diagnosis and Therapy of Lysosomal Disorders, University of Padova
Classification: Uncertain significance for Mucopolysaccharidosis, MPS-IV-A. Last evaluated: 2021-02-01. Review status: criteria provided, single submitter. Criteria: ACMG Guidelines, 2015. Collection method: curation. Allele origin: germline. Affected: yes.
Comment: Absent from gnomAD v2.1.1 (PM2_moderate); protein length changes as a result of in-frame deletions/insertions in a nonrepeat region (PM4_supporting)

Literature cited by the submitters: PubMed 8844220 (cited by Labcorp Genetics (formerly Invitae), Labcorp and Laboratory of Diagnosis and Therapy of Lysosomal Disorders, University of Padova); PubMed 30797135 (cited by Laboratory of Diagnosis and Therapy of Lysosomal Disorders, University of Padova); PubMed 34387910 (cited by Laboratory of Diagnosis and Therapy of Lysosomal Disorders, University of Padova).